The following is an entry in ClinVar:

ClinVar aggregate classification (germline): Benign (1 of 4 stars; one submission).

Allele frequency attached by ClinVar (database versions not stated): gnomAD 0.26992 and 0.27469; TOPMed 0.27932; 1000 Genomes Project 0.31849; 1000 Genomes Project 30x 0.32042.
gnomAD v4.1: 40,899 of 152,170 alleles (27%); highest among the groups gnomAD compares: African/African-American, 56%; 8,011 homozygotes.

Submission:

GeneDx
Classification: Benign. Last evaluated: 2018-06-14. Review status: criteria provided, single submitter. Criteria: GeneDx Variant Classification (06012015). Collection method: clinical testing. Allele origin: germline. Affected: yes.
Comment: This variant is considered likely benign or benign based on one or more of the following criteria: it is a conservative change, it occurs at a poorly conserved position in the protein, it is predicted to be benign by multiple in silico algorithms, and/or has population frequency not consistent with disease.

NM_000302.4(PLOD1):c.976-291A>G

Gene: PLOD1 (procollagen-lysine,2-oxoglutarate 5-dioxygenase 1; plus strand). Cytogenetic location: 1p36.22.
Variant type: single nucleotide variant.
Coding change: c.976-291A>G on transcript NM_000302.4 (MANE Select); 291 bases into the intron before coding-DNA position 976, A replaced by G.
Molecular consequence: intron variant.
Genome position (GRCh38, 1-based): chr1:11,960,355, A>G. VCF-style: chr1-11960355-A-G. GRCh37 (hg19) VCF-style: chr1-12020412-A-G.
Other names: c.1117-291A>G (NM_001316320.2).
Identifiers: ClinVar variation 669467 (VCV000669467.1), dbSNP rs2207751, ClinGen allele CA10919237.
Genomic context (GRCh38, chr1:11,960,355, plus strand): 5'-TTGAGGATCACCTGGCACATTTTGTAACAAAGTGGATCTCTGGGCCACACCCAGGAATCA[A>G]CAATGTCTCTGGATGTGGGATCCTGAGCGTGGTGGCGGAGCTCTATCCTGATGACAGAGG-3'